The following is an entry in ClinVar:

ClinVar aggregate classification (germline): Uncertain significance (1 of 4 stars; one submission).

Submission:

Labcorp Genetics (formerly Invitae), Labcorp
Classification: Uncertain significance. Last evaluated: 2023-10-13. Review status: criteria provided, single submitter. Criteria: Invitae Variant Classification Sherloc (09022015). Collection method: clinical testing. Allele origin: germline.
Comment: This sequence change replaces leucine, which is neutral and non-polar, with phenylalanine, which is neutral and non-polar, at codon 586 of the STAT4 protein (p.Leu586Phe). Information on the frequency of this variant in the gnomAD database is not available, as this variant may be reported differently in the database. This variant has not been reported in the literature in individuals affected with STAT4-related conditions. Experimental studies and prediction algorithms are not available or were not evaluated, and the functional significance of this variant is currently unknown. In summary, the available evidence is currently insufficient to determine the role of this variant in disease. Therefore, it has been classified as a Variant of Uncertain Significance.

NM_003151.4(STAT4):c.1758_1759delinsTT (p.Leu586Phe)

Gene: STAT4 (signal transducer and activator of transcription 4; minus strand). Cytogenetic location: 2q32.2.
Variant type: Indel.
Coding change: c.1758_1759delinsTT on transcript NM_003151.4 (MANE Select); coding-DNA positions 1758 to 1759, GC replaced by TT.
Protein change: p.Leu586Phe; replaces leucine 586 with phenylalanine.
Molecular consequence: missense variant.
Genome position (GRCh38, 1-based): chr2:191,033,583-191,033,584, GC replaced by AA on the plus strand (GC replaced by TT on the coding strand, the reverse complement: STAT4 is on the minus strand). VCF-style: chr2-191033583-GC-AA. GRCh37 (hg19) VCF-style: chr2-191898309-GC-AA.
Other names: c.1758_1759delinsTT, p.Leu586Phe (NM_001243835.2); short protein forms L586F.
Identifiers: ClinVar variation 2827414 (VCV002827414.3), dbSNP rs2470646599, ClinGen allele CA2739277998.